The following continues an entry in ClinVar:

NM_000038.6(APC):c.6873A>T (p.Gln2291His)

Gene: APC. ClinVar aggregate classification (germline): Conflicting classifications of pathogenicity. Uncertain significance (2); Benign (1); Likely benign (12).

Submissions 20 to 23 of 23:

Department of Pathology and Laboratory Medicine, Sinai Health System
Classification: Likely benign for Carcinoma of colon. Review status: no assertion criteria provided. Collection method: clinical testing. Allele origin: unknown. Affected: yes. Study: The Canadian Open Genetics Repository (COGR). Not counted in ClinVar's aggregate classification.
Comment: The APC p.Gln2291His variant was not identified in the literature nor was it identified in COSMIC, InSiGHT Colon Cancer Gene Variant Database (LOVD), Zhejiang Colon Cancer Database (LOVD), GeneInsight - COGR database and UMD. The variant was identified in dbSNP (ID: rs148878262) â€šÃ„ÃºWith other alleleâ€šÃ„Ã¹, Clinvar database (with conflicting interpretations of pathogenicity, classified as benign by Ambry Genetics and uncertain significance by GeneDx, Invitae and Biesecker Laboratory-ClinSeq Project), and the Clinvitae database. This variant was also identified in the 1000 Genomes Project in 2 of 5000 chromosomes (frequency: 0.0004), HAPMAP-EUR in 2 of 1006 chromosomes (frequency: 0.002), NHLBI GO Exome Sequencing Project (ESP) in 6 of 8600 European American alleles, and the Exome Aggregation Consortium (ExAC) database (released Jan 13, 2015) in 14 of 66516 chromosomes (frequency:0.0002)in the European (Non-Finnish) population. The p.Gln2291 residue is not conserved across mammals and the variant amino acid His is present in rat and hedgehog. Computational analyses (PolyPhen-2, SIFT, AlignGVGD, BLOSUM, MutationTaster) do not suggest a high likelihood of impact to the protein; however, this information is not predictive enough to rule out pathogenicity. The variant occurs outside of the splicing consensus sequence and 1 of 5 in silico or computational prediction software programs (SpliceSiteFinder, MaxEntScan, NNSPLICE, GeneSplicer, HumanSpliceFinder) predict a greater than 10% difference in splicing; this is not very predictive of pathogenicity. In summary, based on the above information, the clinical significance of this variant cannot be determined with certainty at this time although we would lean towards a more benign role for this variant. This variant is classified as likely benign.

Diagnostic Laboratory, Department of Genetics, University Medical Center Groningen
Classification: Likely benign. Review status: no assertion criteria provided. Collection method: clinical testing. Allele origin: germline. Affected: yes. Study: VKGL Data-share Consensus. Not counted in ClinVar's aggregate classification.

Genome Diagnostics Laboratory, Amsterdam University Medical Center
Classification: Likely benign. Review status: no assertion criteria provided. Collection method: clinical testing. Allele origin: germline. Affected: yes. Study: VKGL Data-share Consensus. Not counted in ClinVar's aggregate classification.

Joint Genome Diagnostic Labs from Nijmegen and Maastricht, Radboudumc and MUMC+
Classification: Likely benign. Review status: no assertion criteria provided. Collection method: clinical testing. Allele origin: germline. Affected: yes. Study: VKGL Data-share Consensus. Not counted in ClinVar's aggregate classification.

Literature cited by the submitters: PubMed 25722345 (cited by Women's Health and Genetics/Laboratory Corporation of America, LabCorp); PubMed 25479140 (cited by Women's Health and Genetics/Laboratory Corporation of America, LabCorp and Quest Diagnostics Nichols Institute San Juan Capistrano); PubMed 27443514 (cited by 3 submitters); PubMed 28135145 (cited by 3 submitters); PubMed 34326862 (cited by Women's Health and Genetics/Laboratory Corporation of America, LabCorp).